The following is an entry in ClinVar:

NM_000093.5(COL5A1):c.4738del (p.Ala1580fs)

Genes: COL5A1 (collagen type V alpha 1 chain; plus strand), LOC101448202 (uncharacterized LOC101448202; minus strand). Cytogenetic location: 9q34.3.
Variant type: Deletion.
Coding change: c.4738del on transcript NM_000093.5 (MANE Select); coding-DNA position 4738, one base deleted (G; older notation c.4738delG).
Protein change: p.Ala1580fs; shifts the reading frame from alanine 1580.
Molecular consequence: frameshift variant.
Genome position (GRCh38, 1-based): chr9:134,824,639, G deleted; the last of 2 consecutive G bases (chr9:134,824,638-134,824,639); deleting either gives the same sequence. VCF-style (leftmost placement, unchanged base first): chr9-134824637-AG-A. GRCh37 (hg19) VCF-style: chr9-137716483-AG-A.
Other names: c.4738del, p.Ala1580fs (NM_001278074.1); short protein forms A1580fs.
Identifiers: ClinVar variation 2006879 (VCV002006879.4), dbSNP rs2490880088, ClinGen allele CA2580080034.

ClinVar aggregate classification (germline): Pathogenic (1 of 4 stars; one submission).

Conditions:
Ehlers-Danlos syndrome, classic type, 1 (EDSCL1). Also called: EHLERS-DANLOS SYNDROME, GRAVIS TYPE; EHLERS-DANLOS SYNDROME, SEVERE CLASSIC TYPE; Ehlers-Danlos syndrome, type 1; EDS I; Ehlers-Danlos Syndrome, Classic Type, COL5A1-Related. Identifiers: MedGen C0268335, MONDO:0019567, OMIM 130000.

Submission:

Labcorp Genetics (formerly Invitae), Labcorp
Classification: Pathogenic for Ehlers-Danlos syndrome, classic type, 1. Last evaluated: 2022-06-15. Review status: criteria provided, single submitter. Criteria: Invitae Variant Classification Sherloc (09022015). Collection method: clinical testing. Allele origin: germline.
Comment: This variant is not present in population databases (gnomAD no frequency). For these reasons, this variant has been classified as Pathogenic. This variant has not been reported in the literature in individuals affected with COL5A1-related conditions. This sequence change creates a premature translational stop signal (p.Ala1580Hisfs*39) in the COL5A1 gene. It is expected to result in an absent or disrupted protein product. Loss-of-function variants in COL5A1 are known to be pathogenic (PMID: 23587214).

Literature cited by the submitters: PubMed 23587214.